The following is an entry in ClinVar:

NM_000057.4(BLM):c.1832C>G (p.Ser611Ter)

Gene: BLM (BLM RecQ like helicase; plus strand). Cytogenetic location: 15q26.1.
Variant type: single nucleotide variant.
Coding change: c.1832C>G on transcript NM_000057.4 (MANE Select); coding-DNA position 1832, C replaced by G.
Protein change: p.Ser611Ter; replaces serine 611 with a stop codon.
Molecular consequence: nonsense.
Genome position (GRCh38, 1-based): chr15:90,761,205, C>G. VCF-style: chr15-90761205-C-G. GRCh37 (hg19) VCF-style: chr15-91304435-C-G.
Other names: c.1832C>G, p.Ser611Ter (NM_001287246.2, NM_001287247.2); c.707C>G, p.Ser236Ter (NM_001287248.2); short protein forms S236*, S611*.
Identifiers: ClinVar variation 2111068 (VCV002111068.5), dbSNP rs1895978539, ClinGen allele CA393843938.
Genomic context (GRCh38, chr15:90,761,205, plus strand): 5'-GGCCAATTAAATCAGTATCAGAAAGACTTTCCTCAGCCAAGACAGACTGTCTTCCAGTGT[C>G]ATCTACTGCTCAAAATATAAACTTCTCAGAGTCAATTCAGAATTATACTGGTAAGTTTAA-3'

ClinVar aggregate classification (germline): Pathogenic. Review status: criteria provided, multiple submitters, no conflicts (2 of 4 stars). 2 submissions from 2 submitters: Pathogenic (2). Last evaluated 2026-06-26.

Conditions:
Bloom syndrome (BLM). Also called: Bloom-Torre-Machacek syndrome. Identifiers: Orphanet 125, MedGen C0005859, MONDO:0008876, OMIM 210900.

Submissions (2):

Myriad Genetics, Inc.
Classification: Pathogenic for Bloom syndrome. Last evaluated: 2026-06-26. Review status: criteria provided, single submitter. Criteria: Myriad Autosomal Dominant, Autosomal Recessive and X-Linked Classification Criteria (2023). Collection method: clinical testing. Allele origin: unknown.
Comment: This variant is considered pathogenic. This variant creates a termination codon and is predicted to result in premature protein truncation.

Labcorp Genetics (formerly Invitae), Labcorp
Classification: Pathogenic for Bloom syndrome. Last evaluated: 2025-11-17. Review status: criteria provided, single submitter. Criteria: Invitae Variant Classification Sherloc (09022015). Collection method: clinical testing. Allele origin: germline.
Comment: This sequence change creates a premature translational stop signal (p.Ser611*) in the BLM gene. It is expected to result in an absent or disrupted protein product. Loss-of-function variants in BLM are known to be pathogenic (PMID: 17407155). This variant is not present in population databases (gnomAD no frequency). This variant has not been reported in the literature in individuals affected with BLM-related conditions. ClinVar contains an entry for this variant (Variation ID: 2111068). For these reasons, this variant has been classified as Pathogenic.

Literature cited by the submitters: PubMed 17407155 (cited by Labcorp Genetics (formerly Invitae), Labcorp).